The following is an entry in ClinVar:

NM_017763.6(RNF43):c.1324G>A (p.Asp442Asn)

Gene: RNF43 (ring finger protein 43; minus strand). Cytogenetic location: 17q22.
Variant type: single nucleotide variant.
Coding change: c.1324G>A on transcript NM_017763.6 (MANE Select); coding-DNA position 1324, G replaced by A.
Protein change: p.Asp442Asn; replaces aspartic acid 442 with asparagine.
Molecular consequence: missense variant.
Genome position (GRCh38, 1-based): chr17:58,358,452, C>T on the plus strand (G>A on the coding strand, the complement: RNF43 is on the minus strand). VCF-style: chr17-58358452-C-T. GRCh37 (hg19) VCF-style: chr17-56435813-C-T.
Other names: c.1324G>A, p.Asp442Asn (NM_001305544.3, NM_001438820.1, NM_001438821.1 and 1 more transcripts); c.943G>A, p.Asp315Asn (NM_001305545.2, NM_001437987.1); short protein forms D315N, D442N.
Identifiers: ClinVar variation 4826153 (VCV004826153.1).

ClinVar aggregate classification (germline): Uncertain significance (1 of 4 stars; one submission).

gnomAD v4.1: 2 of 1,613,862 alleles (0.00012%); highest among the groups gnomAD compares: Non-Finnish European, 0.00017%; no homozygotes.

Submission:

Ambry Genetics
Classification: Uncertain significance. Last evaluated: 2026-03-03. Review status: criteria provided, single submitter. Criteria: Ambry Variant Classification Scheme 2023. Collection method: clinical testing. Allele origin: germline.
Comment: The p.D442N variant (also known as c.1324G>A), located in coding exon 8 of the RNF43 gene, results from a G to A substitution at nucleotide position 1324. The aspartic acid at codon 442 is replaced by asparagine, an amino acid with highly similar properties. This amino acid position is conserved. In addition, this alteration is predicted to be tolerated by in silico analysis. Based on the available evidence, the clinical significance of this variant remains unclear.